The following is an entry in ClinVar:

ClinVar aggregate classification (germline): Conflicting classifications of pathogenicity. Review status: criteria provided, conflicting classifications (1 of 4 stars). 3 submissions from 3 submitters: Uncertain significance (1); Likely benign (2). Last evaluated 2026-02-01.

Allele frequency attached by ClinVar (database versions not stated): 1000 Genomes Project 30x 0.00016; 1000 Genomes Project 0.00020; ExAC 0.00034; gnomAD 0.00041; TOPMed 0.00050; ESP Exome Variant Server 0.00077.
gnomAD v4.1: 1,100 of 1,613,818 alleles (0.068%); highest among the groups gnomAD compares: Non-Finnish European, 0.087%; 2 homozygotes.

Submissions (3):

Labcorp Genetics (formerly Invitae), Labcorp
Classification: Uncertain significance. Last evaluated: 2026-02-01. Review status: criteria provided, single submitter. Criteria: Invitae Variant Classification Sherloc (09022015). Collection method: clinical testing. Allele origin: germline.
Comment: This sequence change replaces glutamic acid, which is acidic and polar, with aspartic acid, which is acidic and polar, at codon 322 of the NAF1 protein (p.Glu322Asp). This variant is present in population databases (rs146474502, gnomAD 0.07%), and has an allele count higher than expected for a pathogenic variant. This variant has not been reported in the literature in individuals affected with NAF1-related conditions. ClinVar contains an entry for this variant (Variation ID: 2062942). An algorithm developed to predict the effect of missense changes on protein structure and function (PolyPhen-2) suggests that this variant is likely to be disruptive. In summary, the available evidence is currently insufficient to determine the role of this variant in disease. Therefore, it has been classified as a Variant of Uncertain Significance.

CeGaT Center for Human Genetics Tuebingen
Classification: Likely benign. Last evaluated: 2025-01-01. Review status: criteria provided, single submitter. Criteria: CeGaT Center For Human Genetics Tuebingen Variant Classification Criteria Version 2. Collection method: clinical testing. Allele origin: germline. Affected: yes. Observed: 2 variant alleles.
Comment: NAF1: BP4, BS1

Blueprint Genetics
Classification: Likely benign. Last evaluated: 2024-09-21. Review status: criteria provided, single submitter. Criteria: ACMG Guidelines, 2015. Collection method: clinical testing. Allele origin: germline.

NM_138386.3(NAF1):c.966A>C (p.Glu322Asp)

Gene: NAF1 (nuclear assembly factor 1 ribonucleoprotein; minus strand). Cytogenetic location: 4q32.2.
Variant type: single nucleotide variant.
Coding change: c.966A>C on transcript NM_138386.3 (MANE Select); coding-DNA position 966, A replaced by C.
Protein change: p.Glu322Asp; replaces glutamic acid 322 with aspartic acid.
Molecular consequence: missense variant.
Genome position (GRCh38, 1-based): chr4:163,133,221, T>G on the plus strand (A>C on the coding strand, the complement: NAF1 is on the minus strand). VCF-style: chr4-163133221-T-G. GRCh37 (hg19) VCF-style: chr4-164054373-T-G.
Other names: c.966A>C, p.Glu322Asp (NM_001128931.2); short protein forms E322D.
Identifiers: ClinVar variation 2062942 (VCV002062942.19), dbSNP rs146474502, ClinGen allele CA3126202.
Genomic context (GRCh38, chr4:163,133,221, plus strand): 5'-ATTAAATTCAGATTTGAGTTTTTTCCGGCCTTGAATCTGAGATTTTTTCCTCTGTTTGGC[T>G]TCCTTCTCTTTTTCATCATCACTAAAATCTAAGGCCTTGCAGAGAAAAGTATATAATAGG-3'
Protein context (NP_612395.2, residues 312-332): LDFSDDEKEK[Glu322Asp]AKQRKKSQIQ